The following is an entry in ClinVar:

ClinVar aggregate classification (germline): Uncertain significance (1 of 4 stars; one submission).

Submission:

Ambry Genetics
Classification: Uncertain significance. Last evaluated: 2026-05-27. Review status: criteria provided, single submitter. Criteria: Ambry Variant Classification Scheme 2023. Collection method: clinical testing. Allele origin: germline.
Comment: The c.1568C>G (p.S523C) alteration is located in exon 3 (coding exon 3) of the ZNF551 gene. This alteration results from a C to G substitution at nucleotide position 1568, causing the serine (S) at amino acid position 523 to be replaced by a cysteine (C). Based on data from gnomAD, the G allele has an overall frequency of <0.001% (1/251466) total alleles studied. The highest observed frequency was 0.001% (1/113744) of European (non-Finnish) alleles. Based on insufficient or conflicting evidence, the clinical significance of this alteration remains unclear.

NM_138347.5(ZNF551):c.1616C>G (p.Ser539Cys)

Gene: ZNF551 (zinc finger protein 551; plus strand). Cytogenetic location: 19q13.43.
Variant type: single nucleotide variant.
Coding change: c.1616C>G on transcript NM_138347.5 (MANE Select); coding-DNA position 1616, C replaced by G.
Protein change: p.Ser539Cys; replaces serine 539 with cysteine.
Molecular consequence: missense variant. On other transcripts: non-coding transcript variant (1).
Genome position (GRCh38, 1-based): chr19:57,687,891, C>G. VCF-style: chr19-57687891-C-G. GRCh37 (hg19) VCF-style: chr19-58199259-C-G.
Other names: c.1532C>G, p.Ser511Cys (NM_001270938.2); short protein forms S511C, S539C.
Identifiers: ClinVar variation 4867042 (VCV004867042.1).